The following is an entry in ClinVar:

NM_001267550.2(TTN):c.69315_69324del (p.Ile23105fs)

Genes: TTN-AS1 (TTN antisense RNA 1; plus strand), TTN (titin; minus strand). Cytogenetic location: 2q31.2.
Variant type: Deletion.
Coding change: c.69315_69324del on transcript NM_001267550.2 (MANE Select); coding-DNA positions 69315 to 69324, 10 bases deleted (CCAAGGAAAT; older notation c.69315_69324delCCAAGGAAAT).
Protein change: p.Ile23105fs; shifts the reading frame from isoleucine 23105.
Molecular consequence: frameshift variant.
Genome position (GRCh38, 1-based): chr2:178,577,011-178,577,020, ATTTCCTTGG deleted on the plus strand (CCAAGGAAAT on the coding strand, the reverse complement: TTN is on the minus strand); deleting any 10 consecutive bases within chr2:178,577,011-178,577,022 gives the same sequence; the c. name uses the placement nearest the transcript's 3' end. VCF-style (leftmost placement, unchanged base first): chr2-178577010-CATTTCCTTGG-C. GRCh37 (hg19) VCF-style: chr2-179441737-CATTTCCTTGG-C.
Other names: c.64392_64401del, p.Ile21464fs (NM_001256850.1); c.42120_42129del, p.Ile14040fs (NM_003319.4); c.61611_61620del, p.Ile20537fs (NM_133378.4); c.42495_42504del, p.Ile14165fs (NM_133432.3); c.42696_42705del, p.Ile14232fs (NM_133437.4); short protein forms I14232fs, I14040fs, I20537fs, I14165fs, I21464fs, I23105fs.
Identifiers: ClinVar variation 4786791 (VCV004786791.1).

ClinVar aggregate classification (germline): Likely pathogenic (1 of 4 stars; one submission).

Conditions:
Autosomal recessive limb-girdle muscular dystrophy type 2J (LGMDR10). Also called: Limb-girdle muscular dystrophy, type 2J; MUSCULAR DYSTROPHY, LIMB-GIRDLE, AUTOSOMAL RECESSIVE 10. Identifiers: Orphanet 140922, MedGen C1837342, MONDO:0012127, OMIM 608807.
Dilated cardiomyopathy 1G (CMD1G). Identifiers: Orphanet 154, MedGen C1858763, MONDO:0011400, OMIM 604145.

Submission:

Labcorp Genetics (formerly Invitae), Labcorp
Classification: Likely pathogenic for Dilated cardiomyopathy 1G; Autosomal recessive limb-girdle muscular dystrophy type 2J. Last evaluated: 2025-12-06. Review status: criteria provided, single submitter. Criteria: Invitae Variant Classification Sherloc (09022015). Collection method: clinical testing. Allele origin: germline.
Comment: This sequence change creates a premature translational stop signal (p.Ile23105Metfs*10) in the TTN gene. While this is not anticipated to result in nonsense mediated decay, it is expected to create a truncated TTN protein. This variant is not present in population databases (gnomAD no frequency). This variant has not been reported in the literature in individuals affected with TTN-related conditions. This variant is located in the A band of TTN (PMID: 25589632). Truncating variants in this region are significantly overrepresented in patients affected with dilated cardiomyopathy (PMID: 25589632). Truncating variants in this region have also been reported in individuals affected with autosomal recessive centronuclear myopathy (PMID: 23975875). In summary, the currently available evidence indicates that the variant is pathogenic, but additional data are needed to prove that conclusively. Therefore, this variant has been classified as Likely Pathogenic.

Literature cited by the submitters: PubMed 25589632; PubMed 23975875.